The following is an entry in ClinVar:

ClinVar aggregate classification (germline): Pathogenic (1 of 4 stars; one submission).

Conditions:
Charcot-Marie-Tooth disease type 2E (CMT2E). Also called: CHARCOT-MARIE-TOOTH DISEASE, AXONAL, TYPE 2E; CHARCOT-MARIE-TOOTH NEUROPATHY, TYPE 2E. Identifiers: Orphanet 99939, MedGen C1843225, MONDO:0011894, OMIM 607684.

Submission:

Labcorp Genetics (formerly Invitae), Labcorp
Classification: Pathogenic for Charcot-Marie-Tooth disease type 2E. Last evaluated: 2022-03-09. Review status: criteria provided, single submitter. Criteria: Invitae Variant Classification Sherloc (09022015). Collection method: clinical testing. Allele origin: germline.
Comment: For these reasons, this variant has been classified as Pathogenic. Algorithms developed to predict the effect of sequence changes on RNA splicing suggest that this variant may create or strengthen a splice site. This variant has not been reported in the literature in individuals affected with NEFL-related conditions. This variant is not present in population databases (gnomAD no frequency). This sequence change creates a premature translational stop signal (p.Tyr424*) in the NEFL gene. It is expected to result in an absent or disrupted protein product. Loss-of-function variants in NEFL are known to be pathogenic (PMID: 19158810, 20039262).

Literature cited by the submitters: PubMed 19158810; PubMed 20039262.

NM_006158.5(NEFL):c.1272del (p.Ala423_Tyr424insTer)

Gene: NEFL (neurofilament light chain; minus strand). Cytogenetic location: 8p21.2.
Variant type: Deletion.
Coding change: c.1272del on transcript NM_006158.5 (MANE Select); coding-DNA position 1272, one base deleted (C; older notation c.1272delC).
Protein change: p.Ala423_Tyr424insTer.
Molecular consequence: nonsense.
Genome position (GRCh38, 1-based): chr8:24,953,693, G deleted on the plus strand (C on the coding strand, the reverse complement: NEFL is on the minus strand). VCF-style (leftmost placement, unchanged base first): chr8-24953692-CG-C. GRCh37 (hg19) VCF-style: chr8-24811206-CG-C.
Identifiers: ClinVar variation 2090590 (VCV002090590.4), dbSNP rs2486881810, ClinGen allele CA2580078087.